The following is an entry in ClinVar:

NM_001556.3(IKBKB):c.857G>A (p.Arg286Gln)

Gene: IKBKB (inhibitor of nuclear factor kappa B kinase subunit beta; plus strand). Cytogenetic location: 8p11.21.
Variant type: single nucleotide variant.
Coding change: c.857G>A on transcript NM_001556.3 (MANE Select); coding-DNA position 857, G replaced by A.
Protein change: p.Arg286Gln; replaces arginine 286 with glutamine.
Molecular consequence: missense variant. On other transcripts: non-coding transcript variant (3).
Genome position (GRCh38, 1-based): chr8:42,316,266, G>A. VCF-style: chr8-42316266-G-A. GRCh37 (hg19) VCF-style: chr8-42173784-G-A.
Other names: c.665G>A, p.Arg222Gln (NM_001190720.3); c.680G>A, p.Arg227Gln (NM_001242778.2); short protein forms R222Q, R227Q, R286Q.
Identifiers: ClinVar variation 3389689 (VCV003389689.14).

ClinVar aggregate classification (germline): Uncertain significance (1 of 4 stars; one submission).

Submission:

CeGaT Center for Human Genetics Tuebingen
Classification: Uncertain significance. Last evaluated: 2024-09-01. Review status: criteria provided, single submitter. Criteria: CeGaT Center For Human Genetics Tuebingen Variant Classification Criteria Version 2. Collection method: clinical testing. Allele origin: germline. Affected: yes. Observed: 1 variant allele.
Comment: IKBKB: PM2, BP4